The following is an entry in ClinVar:

NM_004369.4(COL6A3):c.2707G>A (p.Val903Met)

Gene: COL6A3 (collagen type VI alpha 3 chain; minus strand). Cytogenetic location: 2q37.3.
Variant type: single nucleotide variant.
Coding change: c.2707G>A on transcript NM_004369.4 (MANE Select); coding-DNA position 2707, G replaced by A.
Protein change: p.Val903Met; replaces valine 903 with methionine.
Molecular consequence: missense variant.
Genome position (GRCh38, 1-based): chr2:237,377,135, C>T on the plus strand (G>A on the coding strand, the complement: COL6A3 is on the minus strand). VCF-style: chr2-237377135-C-T. GRCh37 (hg19) VCF-style: chr2-238285778-C-T.
Other names: c.1486G>A, p.Val496Met (NM_057164.5); c.2089G>A, p.Val697Met (NM_057165.5, NM_057167.4); c.886G>A, p.Val296Met (NM_057166.5); short protein forms V296M, V903M, V496M, V697M.
Identifiers: ClinVar variation 662728 (VCV000662728.11), dbSNP rs890279367, ClinGen allele CA67825515.

ClinVar aggregate classification (germline): Uncertain significance (1 of 4 stars; one submission).

Conditions:
Bethlem myopathy 1A. Also called: Bethlem Muscular Dystrophy; Bethlem myopathy 1; MYOPATHY, BENIGN CONGENITAL, WITH CONTRACTURES. Identifiers: Orphanet 610, MedGen CN029274, MONDO:0024530, OMIM 158810.

Submission:

Labcorp Genetics (formerly Invitae), Labcorp
Classification: Uncertain significance for Bethlem myopathy 1A. Last evaluated: 2019-03-22. Review status: criteria provided, single submitter. Criteria: Invitae Variant Classification Sherloc (09022015). Collection method: clinical testing. Allele origin: germline.
Comment: This sequence change replaces valine with methionine at codon 903 of the COL6A3 protein (p.Val903Met). The valine residue is highly conserved and there is a small physicochemical difference between valine and methionine. In summary, the available evidence is currently insufficient to determine the role of this variant in disease. Therefore, it has been classified as a Variant of Uncertain Significance. Algorithms developed to predict the effect of missense changes on protein structure and function are either unavailable or do not agree on the potential impact of this missense change (SIFT: "Tolerated"; PolyPhen-2: "Probably Damaging"; Align-GVGD: "Class C0"). This variant has not been reported in the literature in individuals with COL6A3-related disease. This variant is not present in population databases (ExAC no frequency).